The following is an entry in ClinVar:

NM_000260.4(MYO7A):c.4735G>C (p.Glu1579Gln)

Gene: MYO7A (myosin VIIA; plus strand). Cytogenetic location: 11q13.5.
Variant type: single nucleotide variant.
Coding change: c.4735G>C on transcript NM_000260.4 (MANE Select); coding-DNA position 4735, G replaced by C.
Protein change: p.Glu1579Gln; replaces glutamic acid 1579 with glutamine.
Molecular consequence: missense variant.
Genome position (GRCh38, 1-based): chr11:77,199,701, G>C. VCF-style: chr11-77199701-G-C. GRCh37 (hg19) VCF-style: chr11-76910746-G-C.
Other names: c.4621G>C, p.Glu1541Gln (NM_001127180.2); c.4588G>C, p.Glu1530Gln (NM_001369365.1); short protein forms E1541Q, E1579Q, E1530Q.
Identifiers: ClinVar variation 2108761 (VCV002108761.4), dbSNP rs374766654, ClinGen allele CA381950821.

ClinVar aggregate classification (germline): Uncertain significance (1 of 4 stars; one submission).

Submission:

Labcorp Genetics (formerly Invitae), Labcorp
Classification: Uncertain significance. Last evaluated: 2022-03-11. Review status: criteria provided, single submitter. Criteria: Invitae Variant Classification Sherloc (09022015). Collection method: clinical testing. Allele origin: germline.
Comment: This sequence change replaces glutamic acid, which is acidic and polar, with glutamine, which is neutral and polar, at codon 1579 of the MYO7A protein (p.Glu1579Gln). This variant is not present in population databases (gnomAD no frequency). This variant has not been reported in the literature in individuals affected with MYO7A-related conditions. Advanced modeling of protein sequence and biophysical properties (such as structural, functional, and spatial information, amino acid conservation, physicochemical variation, residue mobility, and thermodynamic stability) performed at Invitae indicates that this missense variant is not expected to disrupt MYO7A protein function. In summary, the available evidence is currently insufficient to determine the role of this variant in disease. Therefore, it has been classified as a Variant of Uncertain Significance.